The following is an entry in ClinVar:

NM_032492.4(JAGN1):c.41G>A (p.Gly14Asp)

Gene: JAGN1 (jagunal homolog 1; plus strand). Cytogenetic location: 3p25.3.
Variant type: single nucleotide variant.
Coding change: c.41G>A on transcript NM_032492.4 (MANE Select); coding-DNA position 41, G replaced by A.
Protein change: p.Gly14Asp; replaces glycine 14 with aspartic acid.
Molecular consequence: missense variant. On other transcripts: 5 prime UTR variant (1).
Genome position (GRCh38, 1-based): chr3:9,890,763, G>A. VCF-style: chr3-9890763-G-A. GRCh37 (hg19) VCF-style: chr3-9932447-G-A.
Other names: c.41G>A, p.Gly14Asp (LRG_1228t1); c.-228G>A (NM_001363890.1); short protein forms G14D.
Identifiers: ClinVar variation 649136 (VCV000649136.3), dbSNP rs1575466167, ClinGen allele CA351711829.

ClinVar aggregate classification (germline): Uncertain significance (1 of 4 stars; one submission).

Conditions:
Autosomal recessive severe congenital neutropenia due to JAGN1 deficiency. Also called: Severe congenital neutropenia 6, autosomal recessive. Identifiers: Orphanet 423384, MedGen C4014954, MONDO:0014456, OMIM 616022.

Allele frequency attached by ClinVar (database versions not stated): TOPMed below 0.00001.

Submission:

Labcorp Genetics (formerly Invitae), Labcorp
Classification: Uncertain significance for Autosomal recessive severe congenital neutropenia due to JAGN1 deficiency. Last evaluated: 2018-12-04. Review status: criteria provided, single submitter. Criteria: Invitae Variant Classification Sherloc (09022015). Collection method: clinical testing. Allele origin: germline.
Comment: In summary, the available evidence is currently insufficient to determine the role of this variant in disease. Therefore, it has been classified as a Variant of Uncertain Significance. Algorithms developed to predict the effect of missense changes on protein structure and function are either unavailable or do not agree on the potential impact of this missense change (SIFT: "Deleterious"; PolyPhen-2: "Probably Damaging"; Align-GVGD: "Class C0"). This variant has not been reported in the literature in individuals with JAGN1-related conditions. This variant is not present in population databases (ExAC no frequency). This sequence change replaces glycine with aspartic acid at codon 14 of the JAGN1 protein (p.Gly14Asp). The glycine residue is highly conserved and there is a moderate physicochemical difference between glycine and aspartic acid.